The following is an entry in ClinVar:

NM_001365999.1(SZT2):c.690G>C (p.Met230Ile)

Gene: SZT2 (SZT2 subunit of KICSTOR complex; plus strand). Cytogenetic location: 1p34.2.
Variant type: single nucleotide variant.
Coding change: c.690G>C on transcript NM_001365999.1 (MANE Select); coding-DNA position 690, G replaced by C.
Protein change: p.Met230Ile; replaces methionine 230 with isoleucine.
Molecular consequence: missense variant.
Genome position (GRCh38, 1-based): chr1:43,416,019, G>C. VCF-style: chr1-43416019-G-C. GRCh37 (hg19) VCF-style: chr1-43881690-G-C.
Other names: c.690G>C, p.Met230Ile (NM_015284.4); short protein forms M230I.
Identifiers: ClinVar variation 3649672 (VCV003649672.2).

ClinVar aggregate classification (germline): Uncertain significance (1 of 4 stars; one submission).

Submission:

Labcorp Genetics (formerly Invitae), Labcorp
Classification: Uncertain significance. Last evaluated: 2024-08-31. Review status: criteria provided, single submitter. Criteria: Invitae Variant Classification Sherloc (09022015). Collection method: clinical testing. Allele origin: germline.
Comment: This sequence change replaces methionine, which is neutral and non-polar, with isoleucine, which is neutral and non-polar, at codon 230 of the SZT2 protein (p.Met230Ile). This variant is not present in population databases (gnomAD no frequency). This variant has not been reported in the literature in individuals affected with SZT2-related conditions. Invitae Evidence Modeling of protein sequence and biophysical properties (such as structural, functional, and spatial information, amino acid conservation, physicochemical variation, residue mobility, and thermodynamic stability) indicates that this missense variant is not expected to disrupt SZT2 protein function with a negative predictive value of 80%. In summary, the available evidence is currently insufficient to determine the role of this variant in disease. Therefore, it has been classified as a Variant of Uncertain Significance.